The following is an entry in ClinVar:

ClinVar aggregate classification (germline): Uncertain significance. Review status: criteria provided, multiple submitters, no conflicts (2 of 4 stars). 2 submissions from 2 submitters: Uncertain significance (2). Last evaluated 2023-12-12.

Conditions:
Inborn genetic diseases. Identifiers: MedGen C0950123, MeSH D030342.
Jeune thoracic dystrophy. Also called: Jeune syndrome; Infantile thoracic dystrophy; Thoracic pelvic phalangeal dystrophy; Jeune's syndrome; Chondroectodermal dysplasia-like syndrome; Short-rib thoracic dysplasia. Identifiers: Orphanet 474, MedGen C0265275, MONDO:0018770.

Allele frequency attached by ClinVar (database versions not stated): gnomAD exomes below 0.00001; gnomAD 0.00001; TOPMed 0.00003.
gnomAD v4.1: 7 of 1,596,240 alleles (0.00044%); highest among the groups gnomAD compares: African/African-American, 0.0067%; no homozygotes.

Submissions (2):

Ambry Genetics
Classification: Uncertain significance for Inborn genetic diseases. Last evaluated: 2023-12-12. Review status: criteria provided, single submitter. Criteria: Ambry Variant Classification Scheme 2023. Collection method: clinical testing. Allele origin: germline.

Labcorp Genetics (formerly Invitae), Labcorp
Classification: Uncertain significance for Jeune thoracic dystrophy. Last evaluated: 2022-02-10. Review status: criteria provided, single submitter. Criteria: Invitae Variant Classification Sherloc (09022015). Collection method: clinical testing. Allele origin: germline.
Comment: This sequence change replaces valine, which is neutral and non-polar, with isoleucine, which is neutral and non-polar, at codon 3063 of the DYNC2H1 protein (p.Val3063Ile). This variant is present in population databases (no rsID available, gnomAD 0.004%). This variant has not been reported in the literature in individuals affected with DYNC2H1-related conditions. Advanced modeling of protein sequence and biophysical properties (such as structural, functional, and spatial information, amino acid conservation, physicochemical variation, residue mobility, and thermodynamic stability) performed at Invitae indicates that this missense variant is not expected to disrupt DYNC2H1 protein function. In summary, the available evidence is currently insufficient to determine the role of this variant in disease. Therefore, it has been classified as a Variant of Uncertain Significance.

NM_001377.3(DYNC2H1):c.9187G>A (p.Val3063Ile)

Gene: DYNC2H1 (dynein cytoplasmic 2 heavy chain 1; plus strand). Cytogenetic location: 11q22.3.
Variant type: single nucleotide variant.
Coding change: c.9187G>A on transcript NM_001377.3 (MANE Select); coding-DNA position 9187, G replaced by A.
Protein change: p.Val3063Ile; replaces valine 3063 with isoleucine.
Molecular consequence: missense variant.
Genome position (GRCh38, 1-based): chr11:103,222,109, G>A. VCF-style: chr11-103222109-G-A. GRCh37 (hg19) VCF-style: chr11-103092838-G-A.
Other names: c.9187G>A, p.Val3063Ile (NM_001080463.2); c.9187G>A (NM_001080463.1); short protein forms V3063I.
Identifiers: ClinVar variation 2417345 (VCV002417345.4), dbSNP rs924174408, ClinGen allele CA227417609.